The following is an entry in ClinVar:

ClinVar aggregate classification (germline): Uncertain significance (1 of 4 stars; one submission).

Allele frequency attached by ClinVar (database versions not stated): ExAC 0.00001; gnomAD 0.00001; TOPMed 0.00001; gnomAD exomes 0.00002; 1000 Genomes Project 0.00020; 1000 Genomes Project 30x 0.00031.
gnomAD v4.1: 24 of 1,614,088 alleles (0.0015%); highest among the groups gnomAD compares: Non-Finnish European, 0.002%; no homozygotes.

Submission:

Labcorp Genetics (formerly Invitae), Labcorp
Classification: Uncertain significance. Last evaluated: 2022-06-22. Review status: criteria provided, single submitter. Criteria: Invitae Variant Classification Sherloc (09022015). Collection method: clinical testing. Allele origin: germline.
Comment: In summary, the available evidence is currently insufficient to determine the role of this variant in disease. Therefore, it has been classified as a Variant of Uncertain Significance. Algorithms developed to predict the effect of missense changes on protein structure and function are either unavailable or do not agree on the potential impact of this missense change (SIFT: "Deleterious"; PolyPhen-2: "Benign"; Align-GVGD: "Class C0"). This variant has not been reported in the literature in individuals affected with ERBIN-related conditions. This variant is present in population databases (rs561804124, gnomAD 0.004%). This sequence change replaces tyrosine, which is neutral and polar, with histidine, which is basic and polar, at codon 972 of the ERBIN protein (p.Tyr972His).

NM_001253697.2(ERBIN):c.2914T>C (p.Tyr972His)

Gene: ERBIN (erbb2 interacting protein; plus strand). Cytogenetic location: 5q12.3.
Variant type: single nucleotide variant.
Coding change: c.2914T>C on transcript NM_001253697.2 (MANE Select); coding-DNA position 2914, T replaced by C.
Protein change: p.Tyr972His; replaces tyrosine 972 with histidine.
Molecular consequence: missense variant.
Genome position (GRCh38, 1-based): chr5:66,054,232, T>C. VCF-style: chr5-66054232-T-C. GRCh37 (hg19) VCF-style: chr5-65350060-T-C.
Other names: c.2914T>C, p.Tyr972His (NM_001006600.3, NM_001253698.2, NM_001253699.2 and 1 more transcripts); c.2902T>C, p.Tyr968His (NM_001253701.2); short protein forms Y968H, Y972H.
Identifiers: ClinVar variation 1365592 (VCV001365592.6), dbSNP rs561804124, ClinGen allele CA3286561.
Genomic context (GRCh38, chr5:66,054,232, plus strand): 5'-CCCGAAGAGCCAAATATAATAAGAGGCCCCACAAGTGGCCCACAATCTGCACCTCAAATA[T>C]ATGGTCCTCCACAGTATAATATCCAATACAGTAGCAGTGCTGCAGTCAAAGACACTTTGT-3'
Protein context (NP_001240626.1, residues 962-982): TSGPQSAPQI[Tyr972His]GPPQYNIQYS